The following is an entry in ClinVar:

ClinVar aggregate classification (germline): Conflicting classifications of pathogenicity. Review status: criteria provided, conflicting classifications (1 of 4 stars). 2 submissions from 2 submitters: Uncertain significance (1); Likely benign (1). Last evaluated 2023-12-15.

Allele frequency attached by ClinVar (database versions not stated): gnomAD 0.00004 and 0.00006; gnomAD exomes 0.00006 and 0.00016; TOPMed 0.00008; ExAC 0.00014; 1000 Genomes Project 0.00060; 1000 Genomes Project 30x 0.00062.

Submissions (2):

Ambry Genetics
Classification: Uncertain significance. Last evaluated: 2023-12-15. Review status: criteria provided, single submitter. Criteria: Ambry Variant Classification Scheme 2023. Collection method: clinical testing. Allele origin: germline.

GeneDx
Classification: Likely benign. Last evaluated: 2018-04-10. Review status: criteria provided, single submitter. Criteria: GeneDx Variant Classification (06012015). Collection method: clinical testing. Allele origin: germline. Affected: yes.
Comment: This variant is considered likely benign or benign based on one or more of the following criteria: it is a conservative change, it occurs at a poorly conserved position in the protein, it is predicted to be benign by multiple in silico algorithms, and/or has population frequency not consistent with disease.

NM_030770.4(TMPRSS5):c.733G>A (p.Gly245Ser)

Gene: TMPRSS5 (transmembrane serine protease 5; minus strand). Cytogenetic location: 11q23.2.
Variant type: single nucleotide variant.
Coding change: c.733G>A on transcript NM_030770.4 (MANE Select); coding-DNA position 733, G replaced by A.
Protein change: p.Gly245Ser; replaces glycine 245 with serine.
Molecular consequence: missense variant. On other transcripts: non-coding transcript variant (2), intron variant (2).
Genome position (GRCh38, 1-based): chr11:113,694,530, C>T on the plus strand (G>A on the coding strand, the complement: TMPRSS5 is on the minus strand). VCF-style: chr11-113694530-C-T. GRCh37 (hg19) VCF-style: chr11-113565252-C-T.
Other names: c.601G>A, p.Gly201Ser (NM_001288750.2); c.706G>A, p.Gly236Ser (NM_001288751.2); c.447-1281G>A (NM_001288749.2); c.579-1281G>A (NM_001288752.2); c.733G>A (NM_030770.2); short protein forms G201S, G245S, G236S.
Identifiers: ClinVar variation 681393 (VCV000681393.2), dbSNP rs201111397, ClinGen allele CA6281752.
Genomic context (GRCh38, chr11:113,694,530, plus strand): 5'-AGACTTGCCTGTGCATACAATGTGCAGCAGTCACCACCCAGCGTGGCGCTAGCACAGAGC[C>T]CCCACACGTGTGCCGGAAGCCCAGGGCCACGCTGGCCTGCCACGGCCAGCGCCCAGGAGC-3'
Protein context (NP_110397.2, residues 235-255): VALGFRHTCG[Gly245Ser]SVLAPRWVVT